The following is an entry in ClinVar:

NM_004415.4(DSP):c.4472A>T (p.Asp1491Val)

Gene: DSP (desmoplakin; plus strand). Cytogenetic location: 6p24.3.
Variant type: single nucleotide variant.
Coding change: c.4472A>T on transcript NM_004415.4 (MANE Select); coding-DNA position 4472, A replaced by T.
Protein change: p.Asp1491Val; replaces aspartic acid 1491 with valine.
Molecular consequence: missense variant. On other transcripts: intron variant (2).
Genome position (GRCh38, 1-based): chr6:7,580,662, A>T. VCF-style: chr6-7580662-A-T. GRCh37 (hg19) VCF-style: chr6-7580895-A-T.
Other names: c.4050+422A>T (NM_001319034.2); c.3582+890A>T (NM_001008844.3); short protein forms D1491V.
Identifiers: ClinVar variation 44909 (VCV000044909.5), dbSNP rs397516938, ClinGen allele CA004490.

ClinVar aggregate classification (germline): Uncertain significance (1 of 4 stars; one submission).

gnomAD v4.1: 4 of 1,614,110 alleles (0.00025%); highest among the groups gnomAD compares: South Asian, 0.0044%; no homozygotes.

Submission:

Laboratory for Molecular Medicine, Mass General Brigham Personalized Medicine
Classification: Uncertain significance. Last evaluated: 2021-01-16. Review status: criteria provided, single submitter. Criteria: LMM Criteria. Collection method: clinical testing. Allele origin: germline. Observed: 1 variant allele.
Comment: The p.Asp1491Val variant in DSP has not been previously reported in individuals with cardiomyopathy but has been identified in 0.003% (1/30566) of South Asian chromosomes by gnomAD. Computational prediction tools and conservation analyses do not provide strong support for or against an impact to the protein. In summary, the clinical significance of this variant is uncertain. ACMG/AMP Criteria applied: PM2_Supporting.